The following is an entry in ClinVar:

NM_002875.5(RAD51):c.1011C>T (p.Ala337=)

Gene: RAD51 (RAD51 recombinase; plus strand). Cytogenetic location: 15q15.1.
Variant type: single nucleotide variant.
Coding change: c.1011C>T on transcript NM_002875.5 (MANE Select); coding-DNA position 1011, C replaced by T.
Protein change: p.Ala337=; no amino-acid change (alanine 337 retained).
Molecular consequence: synonymous variant. On other transcripts: 3 prime UTR variant (1).
Genome position (GRCh38, 1-based): chr15:40,731,169, C>T. VCF-style: chr15-40731169-C-T. GRCh37 (hg19) VCF-style: chr15-41023367-C-T.
Other names: c.1014C>T, p.Ala338= (NM_001164269.2, NM_133487.4); c.*46C>T (NM_001164270.2).
Identifiers: ClinVar variation 727973 (VCV000727973.33), dbSNP rs202116013, ClinGen allele CA7484164.
Genomic context (GRCh38, chr15:40,731,169, plus strand): 5'-TCCCTGTCTTCCTGAAGCTGAAGCTATGTTCGCCATTAATGCAGATGGAGTGGGAGATGC[C>T]AAAGACTGAATCATTGGGTTTTTCCTCTGTTAAAAACCTTAAGTGCTGCAGCCTAATGAG-3'
Protein context (NP_002866.2, residues 327-339): FAINADGVGD[Ala337=]KD

ClinVar aggregate classification (germline): Likely benign. Review status: criteria provided, multiple submitters, no conflicts (2 of 4 stars). 4 submissions from 4 submitters: Likely benign (4). Last evaluated 2025-11-23.

Conditions:
Inborn genetic diseases. Identifiers: MedGen C0950123, MeSH D030342.

Allele frequency attached by ClinVar (database versions not stated): gnomAD 0.00010 and 0.00013; gnomAD exomes 0.00010 and 0.00016; ExAC 0.00012; TOPMed 0.00016; ESP Exome Variant Server 0.00023.
gnomAD v4.1: 244 of 1,613,888 alleles (0.015%); highest among the groups gnomAD compares: Non-Finnish European, 0.019%; no homozygotes.

Submissions (4):

Labcorp Genetics (formerly Invitae), Labcorp
Classification: Likely benign. Last evaluated: 2025-11-23. Review status: criteria provided, single submitter. Criteria: Invitae Variant Classification Sherloc (09022015). Collection method: clinical testing. Allele origin: germline.

Blueprint Genetics
Classification: Likely benign. Last evaluated: 2024-02-22. Review status: criteria provided, single submitter. Criteria: ACMG Guidelines, 2015. Collection method: clinical testing. Allele origin: germline.

CeGaT Center for Human Genetics Tuebingen
Classification: Likely benign. Last evaluated: 2024-02-01. Review status: criteria provided, single submitter. Criteria: CeGaT Center For Human Genetics Tuebingen Variant Classification Criteria Version 2. Collection method: clinical testing. Allele origin: germline. Affected: yes. Observed: 1 variant allele.
Comment: RAD51: BP4

Ambry Genetics
Classification: Likely benign for Inborn genetic diseases. Last evaluated: 2022-02-13. Review status: criteria provided, single submitter. Criteria: Ambry Variant Classification Scheme 2023. Collection method: clinical testing. Allele origin: germline.